The following is an entry in ClinVar:

NM_153614.4(DNAJB13):c.193G>A (p.Asp65Asn)

Gene: DNAJB13 (DnaJ heat shock protein family (Hsp40) member B13; plus strand). Cytogenetic location: 11q13.4.
Variant type: single nucleotide variant.
Coding change: c.193G>A on transcript NM_153614.4 (MANE Select); coding-DNA position 193, G replaced by A.
Protein change: p.Asp65Asn; replaces aspartic acid 65 with asparagine.
Molecular consequence: missense variant.
Genome position (GRCh38, 1-based): chr11:73,959,514, G>A. VCF-style: chr11-73959514-G-A. GRCh37 (hg19) VCF-style: chr11-73670559-G-A.
Other names: c.19G>A, p.Asp7Asn (NM_001377263.1); c.193G>A (NM_153614.2); short protein forms D65N, D7N.
Identifiers: ClinVar variation 3898806 (VCV003898806.2).

ClinVar aggregate classification (germline): Uncertain significance. Review status: criteria provided, multiple submitters, no conflicts (2 of 4 stars). 2 submissions from 2 submitters: Uncertain significance (2). Last evaluated 2025-10-21.

Submissions (2):

Ambry Genetics
Classification: Uncertain significance. Last evaluated: 2025-10-21. Review status: criteria provided, single submitter. Criteria: Ambry Variant Classification Scheme 2023. Collection method: clinical testing. Allele origin: germline.

GeneDx
Classification: Uncertain significance. Last evaluated: 2024-11-12. Review status: criteria provided, single submitter. Criteria: GeneDx Variant Classification Process June 2021. Collection method: clinical testing. Allele origin: germline. Affected: yes.
Comment: In silico analysis supports that this missense variant has a deleterious effect on protein structure/function; Has not been previously published as pathogenic or benign to our knowledge